The following is an entry in ClinVar:

ClinVar aggregate classification (germline): Conflicting classifications of pathogenicity. Review status: criteria provided, conflicting classifications (1 of 4 stars). 8 submissions from 7 submitters: Uncertain significance (5); Likely benign (2). 1 of the submissions does not count toward it. Last evaluated 2026-09-23.

Conditions:
TECTA-related disorder. Also called: TECTA-related condition.
Autosomal recessive nonsyndromic hearing loss 21. Identifiers: Orphanet 90636, MedGen C1863655, MONDO:0011351, OMIM 603629.
Autosomal dominant nonsyndromic hearing loss 12. Also called: DEAFNESS, AUTOSOMAL DOMINANT 8. Identifiers: Orphanet 90635, MedGen C1832187, MONDO:0011102, OMIM 601543.
Inborn genetic diseases. Identifiers: MedGen C0950123, MeSH D030342.

Allele frequency attached by ClinVar (database versions not stated): gnomAD exomes 0.00019; 1000 Genomes Project 0.00040; ExAC 0.00022; TOPMed 0.00090; 1000 Genomes Project 30x 0.00031; gnomAD 0.00092 and 0.00104; ESP Exome Variant Server 0.00108.
gnomAD v4.1: 257 of 1,614,148 alleles (0.016%); highest among the groups gnomAD compares: African/African-American, 0.32%; no homozygotes.

Submissions (8):

GeneDx
Classification: Uncertain significance. Last evaluated: 2026-09-23. Review status: criteria provided, single submitter. Criteria: GeneDx Variant Classification Process June 2021. Collection method: clinical testing. Allele origin: germline.
Comment: In silico analysis supports that this missense variant has a deleterious effect on protein structure/function; Has not been previously published as pathogenic or benign to our knowledge; This variant is associated with the following publications: (PMID: 21520338, 9590290, 31554319)

Labcorp Genetics (formerly Invitae), Labcorp
Classification: Likely benign. Last evaluated: 2025-10-01. Review status: criteria provided, single submitter. Criteria: Invitae Variant Classification Sherloc (09022015). Collection method: clinical testing. Allele origin: germline.

Ambry Genetics
Classification: Uncertain significance for Inborn genetic diseases. Last evaluated: 2025-03-25. Review status: criteria provided, single submitter. Criteria: Ambry Variant Classification Scheme 2023. Collection method: clinical testing. Allele origin: germline.

Victorian Clinical Genetics Services, Murdoch Childrens Research Institute
Classification: Uncertain significance for Autosomal dominant nonsyndromic hearing loss 12. Last evaluated: 2024-10-10. Review status: criteria provided, single submitter. Criteria: ACMG Guidelines, 2015. Collection method: clinical testing. Allele origin: germline.
Comment: Based on the classification scheme VCGS_Germline_v1.3.3, this variant is classified as 3B-VUS. Following criteria are met: 0102 - Loss of function is a known mechanism of disease in this gene and is associated with deafness. Recessive variants that cause a premature termination codon result in a loss of function, whereas some dominant missense variants have also been suggested to act in a dominant negative mechanism. (I) 0108 - This gene is associated with both recessive and dominant disease. Dominant deafness is usually caused by missense variants, whereas recessive deafness is generally a result of premature termination codon variants, however exceptions do exist (OMIM). (I) 0200 - Variant is predicted to result in a missense amino acid change from serine to isoleucine. (I) 0251 - This variant is heterozygous. (I) 0304 - Variant is present in gnomAD (v3) <0.01 (146 heterozygotes, 0 homozygotes). (I) 0309 - An alternative amino acid change at the same position has been observed in gnomAD (v2) (5 heterozygotes, 0 homozygotes). (I) 0502 - Missense variant with conflicting in silico predictions and uninformative conservation. (I) 0600 - Variant is located in the annotated VWFD 1 domain (NCBI, PDB). (I) 0704 - Another missense variant comparable to the one identified in this case has limited previous evidence for pathogenicity. An alternate change to cysteine at the same residue has previously been reported in a patient with autosomal dominant non-syndromic hearing loss (PMID: 21520338, Deafness Variation Database). (SP) 0808 - Previous reports of pathogenicity for this variant are conflicting. The variant has previously been reported as likely benign in association with dominant deafness, however it has also been classified as a VUS in relation to recessive deafness (ClinVar, Deafness Variation Database). (I) 0905 - No published segregation evidence has been identified for this variant. (I) 1007 - No published functional evidence has been identified for this variant. (I) 1208 - Inheritance information for this variant is not currently available in this individual. (I) Legend: (SP) - Supporting pathogenic, (I) - Information, (SB) - Supporting benign

Illumina Laboratory Services, Illumina
Classification: Uncertain significance for Autosomal recessive nonsyndromic hearing loss 21. Last evaluated: 2018-01-13. Review status: criteria provided, single submitter. Criteria: ICSL Variant Classification Criteria 13 December 2019. Collection method: clinical testing. Allele origin: germline.

Illumina Laboratory Services, Illumina
Classification: Likely benign for Autosomal dominant nonsyndromic hearing loss 12. Last evaluated: 2018-01-13. Review status: criteria provided, single submitter. Criteria: ICSL Variant Classification Criteria 13 December 2019. Collection method: clinical testing. Allele origin: germline.
Comment: This variant was observed in the ICSL laboratory as part of a predisposition screen in an ostensibly healthy population. It had not been previously curated by ICSL or reported in the Human Gene Mutation Database (HGMD: prior to June 1st, 2018), and was therefore a candidate for classification through an automated scoring system. Utilizing variant allele frequency, disease prevalence and penetrance estimates, and inheritance mode, an automated score was calculated to assess if this variant is too frequent to cause the disease. Based on the score and internal cut-off values, a variant classified as likely benign is not then subjected to further curation. The score for this variant resulted in a classification of likely benign for this disease.

Laboratory for Molecular Medicine, Mass General Brigham Personalized Medicine
Classification: Uncertain significance. Last evaluated: 2014-09-29. Review status: criteria provided, single submitter. Criteria: LMM Criteria. Collection method: clinical testing. Allele origin: germline. Observed: 1 variant allele.
Comment: Variant classified as Uncertain Significance - Favor Benign. The p.Ser362Ile var iant in TECTA has not been previously reported in individuals with hearing loss but has been identified in 0.318% (14/4406) of African American chromosomes by t he NHLBI Exome Sequencing Project (dbSNP rs14 3827620). Computational prediction tools and conservation analysis do not provid e strong support for or against an impact to the protein. In summary, while the clinical significance of the Ser362Ile variant is uncertain, its frequency sugge sts that it is more likely to be benign.

PreventionGenetics, part of Exact Sciences
Classification: Likely benign for TECTA-related condition. Last evaluated: 2022-08-05. Review status: no assertion criteria provided. Collection method: clinical testing. Allele origin: germline. Not counted in ClinVar's aggregate classification.
Comment: This variant is classified as likely benign based on ACMG/AMP sequence variant interpretation guidelines (Richards et al. 2015 PMID: 25741868, with internal and published modifications).

Literature cited by the submitters: PubMed 21520338 (cited by Victorian Clinical Genetics Services, Murdoch Childrens Research Institute).

NM_005422.4(TECTA):c.1085G>T (p.Ser362Ile)

Genes: TBCEL-TECTA (TBCEL-TECTA readthrough; plus strand), TECTA (tectorin alpha; plus strand). Cytogenetic location: 11q23.3.
Variant type: single nucleotide variant.
Coding change: c.1085G>T on transcript NM_005422.4 (MANE Select); coding-DNA position 1085, G replaced by T.
Protein change: p.Ser362Ile; replaces serine 362 with isoleucine.
Molecular consequence: missense variant.
Genome position (GRCh38, 1-based): chr11:121,118,600, G>T. VCF-style: chr11-121118600-G-T. GRCh37 (hg19) VCF-style: chr11-120989309-G-T.
Other names: c.2042G>T, p.Ser681Ile (NM_001378761.1); short protein forms S362I, S681I.
Identifiers: ClinVar variation 178533 (VCV000178533.23), dbSNP rs149001418, ClinGen allele CA182507.